The following is an entry in ClinVar:

NM_004006.3(DMD):c.10961C>A (p.Thr3654Lys)

Gene: DMD (dystrophin; minus strand). Cytogenetic location: Xp21.2.
Variant type: single nucleotide variant.
Coding change: c.10961C>A on transcript NM_004006.3 (MANE Select); coding-DNA position 10961, C replaced by A.
Protein change: p.Thr3654Lys; replaces threonine 3654 with lysine.
Molecular consequence: missense variant.
Genome position (GRCh38, 1-based): chrX:31,134,155, G>T on the plus strand (C>A on the coding strand, the complement: DMD is on the minus strand). VCF-style: chrX-31134155-G-T. GRCh37 (hg19) VCF-style: chrX-31152272-G-T.
Other names: c.10937C>A, p.Thr3646Lys (NM_000109.4); c.10949C>A, p.Thr3650Lys (NM_004009.3); c.10592C>A, p.Thr3531Lys (NM_004010.3); c.6938C>A, p.Thr2313Lys (NM_004011.4); c.6929C>A, p.Thr2310Lys (NM_004012.4); c.3581C>A, p.Thr1194Lys (NM_004013.3, NM_004021.3); c.2774C>A, p.Thr925Lys (NM_004014.3); c.1757C>A, p.Thr586Lys (NM_004015.3, NM_004016.3); and 3 more; short protein forms T1181K, T2310K, T3531K, T3646K, T586K, T2313K, T3650K, T573K.
Identifiers: ClinVar variation 947913 (VCV000947913.2), dbSNP rs2034876653, ClinGen allele CA412648179.
Genomic context (GRCh38, chrX:31,134,155, plus strand): 5'-AGCTTACCTCTTGAACTAGGGAAGGAGTTGTTGAGTTGCTCCATCACCTCCTCTAACCCT[G>T]TGCTTGTGTCCTGGGGAGGACTGAGAAGATCTTCCTCACCTTAATAAAAGCAAAAACAAA-3'
Protein context (NP_003997.2, residues 3644-3664): DLLSPPQDTS[Thr3654Lys]GLEEVMEQLN

ClinVar aggregate classification (germline): Uncertain significance. Review status: criteria provided, single submitter (1 of 4 stars). 2 submissions from 2 submitters: Uncertain significance (1). 1 of the submissions does not count toward it. Last evaluated 2019-08-13.

Conditions:
Duchenne muscular dystrophy (DMD). Also called: MUSCULAR DYSTROPHY, PSEUDOHYPERTROPHIC PROGRESSIVE, DUCHENNE TYPE; Duchenne Muscular Dystrophy (DMD). Identifiers: Orphanet 98896, MedGen C0013264, MONDO:0010679, OMIM 310200.
Dystrophin deficiency.
Becker muscular dystrophy (BMD). Also called: MUSCULAR DYSTROPHY, PSEUDOHYPERTROPHIC PROGRESSIVE, BECKER TYPE; Becker Muscular Dystrophy (BMD). Identifiers: Orphanet 98895, MedGen C0917713, MONDO:0010311, OMIM 300376.
Cardiomyopathy (CMYO). Also called: Cardiomyopathies. Identifiers: Orphanet 167848, MedGen C0878544, MONDO:0004994, HP:0001638. Inheritance: Various modes of inheritance.

gnomAD v4.1: 1 of 1,211,334 alleles (0.000083%); highest among the groups gnomAD compares: Admixed American, 0.0022%; no homozygotes.

Submissions (2):

Labcorp Genetics (formerly Invitae), Labcorp
Classification: Uncertain significance for Duchenne muscular dystrophy. Last evaluated: 2019-08-13. Review status: criteria provided, single submitter. Criteria: Invitae Variant Classification Sherloc (09022015). Collection method: clinical testing. Allele origin: germline.
Comment: This sequence change replaces threonine with lysine at codon 3654 of the DMD protein (p.Thr3654Lys). The threonine residue is highly conserved and there is a moderate physicochemical difference between threonine and lysine. This variant is not present in population databases (ExAC no frequency). This variant has not been reported in the literature in individuals with DMD-related conditions. Algorithms developed to predict the effect of missense changes on protein structure and function are either unavailable or do not agree on the potential impact of this missense change (SIFT: "Deleterious"; PolyPhen-2: "Possibly Damaging"; Align-GVGD: "Class C0"). In summary, the available evidence is currently insufficient to determine the role of this variant in disease. Therefore, it has been classified as a Variant of Uncertain Significance.

Natera, Inc.
Classification: Uncertain significance for Becker muscular dystrophy; Cardiomyopathy; Duchenne muscular dystrophy; Dystrophin deficiency. Last evaluated: 2021-08-11. Review status: no assertion criteria provided. Collection method: clinical testing. Allele origin: germline. Not counted in ClinVar's aggregate classification.